The following is an entry in ClinVar:

ClinVar aggregate classification (germline): Uncertain significance (1 of 4 stars; one submission).

Conditions:
Congenital contractural arachnodactyly (CCA). Also called: Beals-Hecht syndrome; BEALS SYNDROME; Arthrogryposis, distal, type 9. Identifiers: Orphanet 115, MedGen C0220668, MONDO:0007363, OMIM 121050.

Submission:

Labcorp Genetics (formerly Invitae), Labcorp
Classification: Uncertain significance for Congenital contractural arachnodactyly. Last evaluated: 2017-03-27. Review status: criteria provided, single submitter. Criteria: Invitae Variant Classification Sherloc (09022015). Collection method: clinical testing. Allele origin: germline.
Comment: Algorithms developed to predict the effect of missense changes on protein structure and function (SIFT, PolyPhen-2, Align-GVGD) all suggest that this variant is likely to be disruptive, but these predictions have not been confirmed by published functional studies. In summary, this variant is a novel missense change with uncertain impact on protein function. It has been classified as a Variant of Uncertain Significance. This variant is not present in population databases (ExAC no frequency) and has not been reported in the literature in individuals with a FBN2-related disease. This sequence change replaces serine with tyrosine at codon 1205 of the FBN2 protein (p.Ser1205Tyr). The serine residue is highly conserved and there is a large physicochemical difference between serine and tyrosine.

NM_001999.4(FBN2):c.3614C>A (p.Ser1205Tyr)

Gene: FBN2 (fibrillin 2; minus strand). Cytogenetic location: 5q23.3.
Variant type: single nucleotide variant.
Coding change: c.3614C>A on transcript NM_001999.4 (MANE Select); coding-DNA position 3614, C replaced by A.
Protein change: p.Ser1205Tyr; replaces serine 1205 with tyrosine.
Molecular consequence: missense variant.
Genome position (GRCh38, 1-based): chr5:128,336,098, G>T on the plus strand (C>A on the coding strand, the complement: FBN2 is on the minus strand). VCF-style: chr5-128336098-G-T. GRCh37 (hg19) VCF-style: chr5-127671790-G-T.
Other names: short protein forms S1205Y.
Identifiers: ClinVar variation 458761 (VCV000458761.9), dbSNP rs1389689622, ClinGen allele CA360758418.